The following is an entry in ClinVar:

NM_001374828.1(ARID1B):c.4331_4332insCC (p.Gly1445fs)

Gene: ARID1B (AT-rich interaction domain 1B; plus strand). Cytogenetic location: 6q25.3.
Variant type: Insertion.
Coding change: c.4331_4332insCC on transcript NM_001374828.1 (MANE Select); coding-DNA positions 4331 to 4332, CC inserted.
Protein change: p.Gly1445fs; shifts the reading frame from glycine 1445.
Molecular consequence: frameshift variant.
Genome position: GRCh38 VCF-style: chr6-157196264-T-TCC. GRCh37 (hg19) VCF-style: chr6-157517398-T-TCC.
Other names: c.1832_1833insCC, p.Gly612fs (NM_001363725.2); c.4211_4212insCC, p.Gly1405fs (NM_001371656.1, NM_001374820.1); c.4172_4173insCC, p.Gly1392fs (NM_017519.3); short protein forms G1392fs, G1405fs, G1445fs, G612fs.
Identifiers: ClinVar variation 1454506 (VCV001454506.1), dbSNP rs2128357041, ClinGen allele CA2573140696.

ClinVar aggregate classification (germline): Pathogenic (1 of 4 stars; one submission).

Submission:

Labcorp Genetics (formerly Invitae), Labcorp
Classification: Pathogenic. Last evaluated: 2020-10-30. Review status: criteria provided, single submitter. Criteria: Invitae Variant Classification Sherloc (09022015). Collection method: clinical testing. Allele origin: germline.
Comment: This sequence change creates a premature translational stop signal (p.Met1318Lysfs*130) in the ARID1B gene. It is expected to result in an absent or disrupted protein product. Loss-of-function variants in ARID1B are known to be pathogenic (PMID: 25674384, 30349098). This variant is not present in population databases (ExAC no frequency). This variant has not been reported in the literature in individuals with ARID1B-related conditions. For these reasons, this variant has been classified as Pathogenic.

Literature cited by the submitters: PubMed 25674384; PubMed 30349098.